The following is an entry in ClinVar:

NM_006343.3(MERTK):c.1440C>G (p.Ile480Met)

Gene: MERTK (MER proto-oncogene, tyrosine kinase; plus strand). Cytogenetic location: 2q13.
Variant type: single nucleotide variant.
Coding change: c.1440C>G on transcript NM_006343.3 (MANE Select); coding-DNA position 1440, C replaced by G.
Protein change: p.Ile480Met; replaces isoleucine 480 with methionine.
Molecular consequence: missense variant.
Genome position (GRCh38, 1-based): chr2:111,994,394, C>G. VCF-style: chr2-111994394-C-G. GRCh37 (hg19) VCF-style: chr2-112751971-C-G.
Other names: short protein forms I480M.
Identifiers: ClinVar variation 1510357 (VCV001510357.7), dbSNP rs755062622, ClinGen allele CA1831384.

ClinVar aggregate classification (germline): Uncertain significance (1 of 4 stars; one submission).

Allele frequency attached by ClinVar (database versions not stated): gnomAD exomes below 0.00001; ExAC 0.00001.
gnomAD v4.1: 3 of 1,614,130 alleles (0.00019%); highest among the groups gnomAD compares: South Asian, 0.0011%; no homozygotes.

Submission:

Labcorp Genetics (formerly Invitae), Labcorp
Classification: Uncertain significance. Last evaluated: 2024-01-29. Review status: criteria provided, single submitter. Criteria: Invitae Variant Classification Sherloc (09022015). Collection method: clinical testing. Allele origin: germline.
Comment: This sequence change replaces isoleucine, which is neutral and non-polar, with methionine, which is neutral and non-polar, at codon 480 of the MERTK protein (p.Ile480Met). This variant is present in population databases (rs755062622, gnomAD 0.0009%). This variant has not been reported in the literature in individuals affected with MERTK-related conditions. ClinVar contains an entry for this variant (Variation ID: 1510357). Advanced modeling of protein sequence and biophysical properties (such as structural, functional, and spatial information, amino acid conservation, physicochemical variation, residue mobility, and thermodynamic stability) has been performed at Invitae for this missense variant, however the output from this modeling did not meet the statistical confidence thresholds required to predict the impact of this variant on MERTK protein function. In summary, the available evidence is currently insufficient to determine the role of this variant in disease. Therefore, it has been classified as a Variant of Uncertain Significance.